The following is an entry in ClinVar:

ClinVar aggregate classification (germline): Likely pathogenic (3 of 4 stars; one submission).

Conditions:
Monogenic diabetes. Identifiers: Orphanet 183625, MedGen C3888631, MONDO:0015967.

Submission:

ClinGen Monogenic Diabetes Variant Curation Expert Panel
Classification: Likely pathogenic for Monogenic diabetes. Last evaluated: 2025-01-17. Review status: reviewed by expert panel. Criteria: ClinGen Diabetes ACMG Specifications HNF1A V2.1.0. Collection method: curation. Allele origin: germline. Inheritance: Autosomal dominant inheritance.
Comment: The c.498C>G variant in the HNF1 homeobox A gene, HNF1A, results in a premature termination at codon 166 (p.(Tyr166Ter)) of NM_000545.8. This variant, located in biologically-relevant exon 2 of 10, is predicted to lead to nonsense mediated decay in a gene in which loss-of-function is an established disease mechanism (PVS1; PMID: 23348805). This variant is absent from gnomAD v2.1.1 (PM2_Supporting). In summary, c.498C>G meets the criteria to be classified as likely pathogenic for monogenic diabetes. ACMG/AMP criteria applied, as specified by the ClinGen MDEP (specification version 2.1.0, approved 8/11/2023: PVS1, PM2_Supporting.

NM_000545.8(HNF1A):c.498C>G (p.Tyr166Ter)

Gene: HNF1A (HNF1 homeobox A; plus strand). Cytogenetic location: 12q24.31.
Variant type: single nucleotide variant.
Coding change: c.498C>G on transcript NM_000545.8 (MANE Select); coding-DNA position 498, C replaced by G.
Protein change: p.Tyr166Ter; replaces tyrosine 166 with a stop codon.
Molecular consequence: nonsense.
Genome position (GRCh38, 1-based): chr12:120,989,004, C>G. VCF-style: chr12-120989004-C-G. GRCh37 (hg19) VCF-style: chr12-121426807-C-G.
Other names: NM_001306179.2:c.498C>G; c.498C>G, p.Tyr166Ter (NM_001306179.2, NM_001406915.1); short protein forms Y166*.
Identifiers: ClinVar variation 3602127 (VCV003602127.1).